The following is an entry in ClinVar:

NM_001127208.3(TET2):c.529C>T (p.Pro177Ser)

Genes: TET2 (tet methylcytosine dioxygenase 2; plus strand), TET2-AS1 (TET2 antisense RNA 1; minus strand). Cytogenetic location: 4q24.
Variant type: single nucleotide variant.
Coding change: c.529C>T on transcript NM_001127208.3 (MANE Select); coding-DNA position 529, C replaced by T.
Protein change: p.Pro177Ser; replaces proline 177 with serine.
Molecular consequence: missense variant.
Genome position (GRCh38, 1-based): chr4:105,234,471, C>T. VCF-style: chr4-105234471-C-T. GRCh37 (hg19) VCF-style: chr4-106155628-C-T.
Other names: c.529C>T, p.Pro177Ser (NM_017628.4); short protein forms P177S.
Identifiers: ClinVar variation 4594201 (VCV004594201.1).

ClinVar aggregate classification (germline): Uncertain significance (1 of 4 stars; one submission).

Submission:

Ambry Genetics
Classification: Uncertain significance. Last evaluated: 2025-11-15. Review status: criteria provided, single submitter. Criteria: Ambry Variant Classification Scheme 2023. Collection method: clinical testing. Allele origin: germline.
Comment: The p.P177S variant (also known as c.529C>T), located in coding exon 1 of the TET2 gene, results from a C to T substitution at nucleotide position 529. The proline at codon 177 is replaced by serine, an amino acid with similar properties. This amino acid position is conserved. In addition, this alteration is predicted to be tolerated by in silico analysis. Based on the available evidence, the clinical significance of this variant remains unclear.